The following is an entry in ClinVar:

NM_000038.6(APC):c.4956del (p.Thr1653fs)

Gene: APC (APC regulator of Wnt signaling pathway; plus strand). Cytogenetic location: 5q22.2.
Variant type: Deletion.
Coding change: c.4956del on transcript NM_000038.6 (MANE Select); coding-DNA position 4956, one base deleted (C; older notation c.4956delC).
Protein change: p.Thr1653fs; shifts the reading frame from threonine 1653.
Molecular consequence: frameshift variant. On other transcripts: non-coding transcript variant (2).
Genome position (GRCh38, 1-based): chr5:112,840,550, C deleted; the last of 2 consecutive C bases (chr5:112,840,549-112,840,550); deleting either gives the same sequence. VCF-style (leftmost placement, unchanged base first): chr5-112840548-TC-T. GRCh37 (hg19) VCF-style: chr5-112176245-TC-T.
Other names: c.4956del, p.Thr1653fs (NM_001127510.3, NM_001354895.2, NM_001407450.1); c.4902del, p.Thr1635fs (NM_001127511.3); c.5010del, p.Thr1671fs (NM_001354896.2, NM_001407447.1, NM_001407448.1 and 1 more transcripts); c.4986del, p.Thr1663fs (NM_001354897.2); c.4881del, p.Thr1628fs (NM_001354898.2); c.4872del, p.Thr1625fs (NM_001354899.2); c.4833del, p.Thr1612fs (NM_001354900.2); c.4779del, p.Thr1594fs (NM_001354901.2, NM_001407453.1); and 11 more; short protein forms T1269fs, T1370fs, T1493fs, T1524fs, T1527fs, T1552fs, T1562fs, T1570fs.
Identifiers: ClinVar variation 3230589 (VCV003230589.1), dbSNP rs2533610869, ClinGen allele CA2825001374.
Genomic context (GRCh38, chr5:112,840,548, plus strand): 5'-TTTACACCGGGGGATGATATGCCACGGGTGTATTGTGTTGAAGGGACACCTATAAACTTT[TC>T]CACAGCTACATCTCTAAGTGATCTAACAATCGAATCCCCTCCAAATGAGTTAGCTGCTGG-3'

ClinVar aggregate classification (germline): Likely pathogenic (1 of 4 stars; one submission).

Conditions:
Hereditary cancer-predisposing syndrome. Also called: Neoplastic Syndromes, Hereditary; Tumor predisposition; Hereditary neoplastic syndrome; Hereditary Cancer Syndrome. Identifiers: Orphanet 140162, MedGen C0027672, MeSH D009386, MONDO:0015356.

Submission:

Ambry Genetics
Classification: Likely pathogenic for Hereditary cancer-predisposing syndrome. Last evaluated: 2024-03-12. Review status: criteria provided, single submitter. Criteria: Ambry Variant Classification Scheme 2023. Collection method: clinical testing. Allele origin: germline.
Comment: The c.4956delC variant, located in coding exon 15 of the APC gene, results from a deletion of one nucleotide at nucleotide position 4956, causing a translational frameshift with a predicted alternate stop codon (p.T1653Qfs*5). This alteration occurs at the 3' terminus of theAPC gene, is not expected to trigger nonsense-mediated mRNA decay, and only impacts the last 42% of the protein. However, premature stop codons are typically deleterious in nature and a significant portion of the protein is affected (Ambry internal data). This variant has been observed in at least one individual with a personal and/or family history that is consistent with APC-associated polyposis conditions (Ambry internal data). This variant is considered to be rare based on population cohorts in the Genome Aggregation Database (gnomAD).Based on the majority of available evidence to date, this variant is likely to be pathogenic.